The following is an entry in ClinVar:

ClinVar aggregate classification (germline): Pathogenic (1 of 4 stars; one submission).

Conditions:
Gorlin syndrome. Also called: Basal cell nevus syndrome; Nevoid Basal Cell Carcinoma Syndrome. Identifiers: Orphanet 377, MedGen C0004779, MONDO:0007187.

Submission:

Labcorp Genetics (formerly Invitae), Labcorp
Classification: Pathogenic for Gorlin syndrome. Last evaluated: 2020-06-18. Review status: criteria provided, single submitter. Criteria: Invitae Variant Classification Sherloc (09022015). Collection method: clinical testing. Allele origin: unknown.
Comment: This variant results in the deletion of exon(s) 16-22 and part of exon 23 (c.2561-553_4107del) of the PTCH1 gene. It is expected to disrupt RNA splicing and likely results in an absent or disrupted protein product. This variant has not been reported in the literature in individuals with PTCH1-related conditions. This variant disrupts a large portion of the sterol-sensing domain 2 (SSD2) of the PTCH1 protein, which is essential for regulation of Hedgehog (Hh) pathway (PMID: 30166346). While functional studies have not been performed to directly test the effect of this variant on PTCH1 protein function, this suggests that disruption of this region of the protein is causative of disease. Loss-of-function variants in PTCH1 are known to be pathogenic (PMID: 16301862, 16419085). For these reasons, this variant has been classified as Pathogenic.

Literature cited by the submitters: PubMed 30166346; PubMed 16301862; PubMed 16419085.

NC_000009.11:g.(?_98209431)_(98224833_?)del

Gene: PTCH1 (patched 1; minus strand). Cytogenetic location: 9q22.32.
Variant type: Deletion.
Identifiers: ClinVar variation 3245052 (VCV003245052.1).